The following is an entry in ClinVar:

ClinVar aggregate classification (germline): Pathogenic (1 of 4 stars; one submission).

Conditions:
Hereditary cancer-predisposing syndrome. Also called: Neoplastic Syndromes, Hereditary; Tumor predisposition; Hereditary neoplastic syndrome; Hereditary Cancer Syndrome. Identifiers: Orphanet 140162, MedGen C0027672, MeSH D009386, MONDO:0015356.

Submission:

Ambry Genetics
Classification: Pathogenic for Hereditary cancer-predisposing syndrome. Last evaluated: 2018-06-05. Review status: criteria provided, single submitter. Criteria: Ambry Variant Classification Scheme 2023. Collection method: clinical testing. Allele origin: germline.
Comment: The c.758_759delAA pathogenic mutation, located in coding exon 7 of the PMS2 gene, results from a deletion of two nucleotides at nucleotide positions 758 to 759, causing a translational frameshift with a predicted alternate stop codon (p.E253Gfs*12). This alteration is expected to result in loss of function by premature protein truncation or nonsense-mediated mRNA decay. As such, this alteration is interpreted as a disease-causing mutation.

NM_000535.7(PMS2):c.758_759del (p.Glu253fs)

Gene: PMS2 (PMS1 homolog 2, mismatch repair system component; minus strand). Cytogenetic location: 7p22.1.
Variant type: Deletion.
Coding change: c.758_759del on transcript NM_000535.7 (MANE Select); coding-DNA positions 758 to 759, 2 bases deleted (AA; older notation c.758_759delAA).
Protein change: p.Glu253fs; shifts the reading frame from glutamic acid 253.
Molecular consequence: frameshift variant. On other transcripts: 5 prime UTR variant (2), non-coding transcript variant (1).
Genome position (GRCh38, 1-based): chr7:5,997,370-5,997,371, TT deleted on the plus strand (AA on the coding strand, the reverse complement: PMS2 is on the minus strand). VCF-style (leftmost placement, unchanged base first): chr7-5997369-CTT-C. GRCh37 (hg19) VCF-style: chr7-6037000-CTT-C.
Other names: c.353_354del, p.Glu118fs (NM_001322003.2, NM_001322004.2, NM_001322005.2 and 2 more transcripts); c.758_759del, p.Glu253fs (NM_001322006.2, NM_001322014.2); c.440_441del, p.Glu147fs (NM_001322007.2, NM_001322008.2); c.-176_-175del (NM_001322011.2, NM_001322012.2); c.185_186del, p.Glu62fs (NM_001322013.2); c.449_450del, p.Glu150fs (NM_001322015.2); short protein forms E118fs, E150fs, E253fs, E62fs, E147fs.
Identifiers: ClinVar variation 827134 (VCV000827134.4), dbSNP rs1583374404, ClinGen allele CA915944828.
Genomic context (GRCh38, chr7:5,997,369, plus strand): 5'-GCCAGCAATCTACTTACTAAAAAAGATTATGCAGAGCATCGGAACAGCTCAAACCGTACT[CTT>C]CACACACGGAGTCACTAGGGGGCAGCTGAACAAAAGGAATGAGGCTTTGCAACTGAAAAA-3'